The following is an entry in ClinVar:

NM_001081.4(CUBN):c.6276C>A (p.Cys2092Ter)

Gene: CUBN (cubilin; minus strand). Cytogenetic location: 10p13.
Variant type: single nucleotide variant.
Coding change: c.6276C>A on transcript NM_001081.4 (MANE Select); coding-DNA position 6276, C replaced by A.
Protein change: p.Cys2092Ter; replaces cysteine 2092 with a stop codon.
Molecular consequence: nonsense.
Genome position (GRCh38, 1-based): chr10:16,925,770, G>T on the plus strand (C>A on the coding strand, the complement: CUBN is on the minus strand). VCF-style: chr10-16925770-G-T. GRCh37 (hg19) VCF-style: chr10-16967769-G-T.
Other names: short protein forms C2092*.
Identifiers: ClinVar variation 2960213 (VCV002960213.4), dbSNP rs146319349, ClinGen allele CA5423725.

ClinVar aggregate classification (germline): Pathogenic/Likely pathogenic. Review status: criteria provided, multiple submitters, no conflicts (2 of 4 stars). 2 submissions from 2 submitters: Pathogenic (1); Likely pathogenic (1). Last evaluated 2024-01-05.

Conditions:
Imerslund-Grasbeck syndrome type 1 (IGS1). Also called: Imerslund-Gräsbeck syndrome 1; Megaloblastic anemia 1, Finnish type; MEGALOBLASTIC ANEMIA, 1. Identifiers: MedGen C4016819, MONDO:0100156, OMIM 261100.
Proteinuria, chronic benign. Identifiers: MedGen C5394384, MONDO:0030042, OMIM 618884.
Imerslund-Grasbeck syndrome. Also called: Imerslund-Gräsbeck syndrome; ENTEROCYTE COBALAMIN MALABSORPTION; ENTEROCYTE INTRINSIC FACTOR RECEPTOR, DEFECT OF; PERNICIOUS ANEMIA, JUVENILE, DUE TO SELECTIVE INTESTINAL MALABSORPTION OF VITAMIN B12, WITH PROTEINURIA; Megaloblastic anemia due to inborn errors of metabolism. Identifiers: Orphanet 35858, MedGen C4551825, MONDO:0009853.

gnomAD v4.1: 4 of 1,613,468 alleles (0.00025%); highest among the groups gnomAD compares: African/African-American, 0.0053%; no homozygotes.

Submissions (2):

Fulgent Genetics
Classification: Likely pathogenic for Imerslund-Grasbeck syndrome type 1; Proteinuria, chronic benign. Last evaluated: 2024-01-05. Review status: criteria provided, single submitter. Criteria: ACMG Guidelines, 2015. Collection method: clinical testing. Allele origin: germline.

Labcorp Genetics (formerly Invitae), Labcorp
Classification: Pathogenic for Imerslund-Grasbeck syndrome. Last evaluated: 2023-02-03. Review status: criteria provided, single submitter. Criteria: Invitae Variant Classification Sherloc (09022015). Collection method: clinical testing. Allele origin: germline.
Comment: For these reasons, this variant has been classified as Pathogenic. This sequence change creates a premature translational stop signal (p.Cys2092*) in the CUBN gene. It is expected to result in an absent or disrupted protein product. Loss-of-function variants in CUBN are known to be pathogenic (PMID: 15024727, 22929189, 25349199, 34979989). The frequency data for this variant in the population databases is considered unreliable, as metrics indicate poor data quality at this position in the gnomAD database. This variant has not been reported in the literature in individuals affected with CUBN-related conditions. Algorithms developed to predict the effect of sequence changes on RNA splicing suggest that this variant may disrupt the consensus splice site.

Literature cited by the submitters: PubMed 15024727 (cited by Labcorp Genetics (formerly Invitae), Labcorp); PubMed 22929189 (cited by Labcorp Genetics (formerly Invitae), Labcorp); PubMed 25349199 (cited by Labcorp Genetics (formerly Invitae), Labcorp); PubMed 34979989 (cited by Labcorp Genetics (formerly Invitae), Labcorp).